The following is an entry in ClinVar:

ClinVar aggregate classification (germline): Uncertain significance (1 of 4 stars; one submission).

Submission:

GeneDx
Classification: Uncertain significance. Last evaluated: 2025-04-17. Review status: criteria provided, single submitter. Criteria: GeneDx Variant Classification Process June 2021. Collection method: clinical testing. Allele origin: germline. Affected: yes.
Comment: Not observed at significant frequency in large population cohorts (gnomAD); In silico analysis supports that this missense variant has a deleterious effect on protein structure/function; Has not been previously published as pathogenic or benign to our knowledge

NM_006922.4(SCN3A):c.199G>T (p.Asp67Tyr)

Gene: SCN3A (sodium voltage-gated channel alpha subunit 3; minus strand). Cytogenetic location: 2q24.3.
Variant type: single nucleotide variant.
Coding change: c.199G>T on transcript NM_006922.4 (MANE Select); coding-DNA position 199, G replaced by T.
Protein change: p.Asp67Tyr; replaces aspartic acid 67 with tyrosine.
Molecular consequence: missense variant.
Genome position (GRCh38, 1-based): chr2:165,176,196, C>A on the plus strand (G>T on the coding strand, the complement: SCN3A is on the minus strand). VCF-style: chr2-165176196-C-A. GRCh37 (hg19) VCF-style: chr2-166032706-C-A.
Other names: c.199G>T, p.Asp67Tyr (NM_001081676.2, NM_001081677.2); short protein forms D67Y.
Identifiers: ClinVar variation 4282284 (VCV004282284.1).